The following is an entry in ClinVar:

ClinVar aggregate classification (germline): Uncertain significance (1 of 4 stars; one submission).

Submission:

Labcorp Genetics (formerly Invitae), Labcorp
Classification: Uncertain significance. Last evaluated: 2022-10-13. Review status: criteria provided, single submitter. Criteria: Invitae Variant Classification Sherloc (09022015). Collection method: clinical testing. Allele origin: germline.
Comment: This sequence change replaces asparagine, which is neutral and polar, with lysine, which is basic and polar, at codon 564 of the CFI protein (p.Asn564Lys). This variant is not present in population databases (gnomAD no frequency). This variant has not been reported in the literature in individuals affected with CFI-related conditions. Advanced modeling of protein sequence and biophysical properties (such as structural, functional, and spatial information, amino acid conservation, physicochemical variation, residue mobility, and thermodynamic stability) performed at Invitae indicates that this missense variant is not expected to disrupt CFI protein function. In summary, the available evidence is currently insufficient to determine the role of this variant in disease. Therefore, it has been classified as a Variant of Uncertain Significance.

NM_000204.5(CFI):c.1692T>A (p.Asn564Lys)

Gene: CFI (complement factor I; minus strand). Cytogenetic location: 4q25.
Variant type: single nucleotide variant.
Coding change: c.1692T>A on transcript NM_000204.5 (MANE Select); coding-DNA position 1692, T replaced by A.
Protein change: p.Asn564Lys; replaces asparagine 564 with lysine.
Molecular consequence: missense variant. On other transcripts: non-coding transcript variant (3), intron variant (5).
Genome position (GRCh38, 1-based): chr4:109,740,953, A>T on the plus strand (T>A on the coding strand, the complement: CFI is on the minus strand). VCF-style: chr4-109740953-A-T. GRCh37 (hg19) VCF-style: chr4-110662109-A-T.
Other names: c.1716T>A, p.Asn572Lys (NM_001318057.2); c.1671T>A, p.Asn557Lys (NM_001331035.2); c.1635T>A, p.Asn545Lys (NM_001375283.1); c.1083T>A, p.Asn361Lys (NM_001375284.1); c.1513+1538T>A (NM_001375282.1, NM_001375280.1); c.1534+1538T>A (NM_001375281.1, NM_001375279.1); c.1558+1538T>A (NM_001375278.1); short protein forms N361K, N545K, N557K, N564K, N572K.
Identifiers: ClinVar variation 1721564 (VCV001721564.5), dbSNP rs1723711474, ClinGen allele CA357854294.